The following is an entry in ClinVar:

NM_000458.4(HNF1B):c.70del (p.Glu24fs)

Gene: HNF1B (HNF1 homeobox B; minus strand). Cytogenetic location: 17q12.
Variant type: Deletion.
Coding change: c.70del on transcript NM_000458.4 (MANE Select); coding-DNA position 70, one base deleted (G; older notation c.70delG).
Protein change: p.Glu24fs; shifts the reading frame from glutamic acid 24.
Molecular consequence: frameshift variant.
Genome position (GRCh38, 1-based): chr17:37,744,815, C deleted on the plus strand (G on the coding strand, the reverse complement: HNF1B is on the minus strand); the first of 2 consecutive C bases (chr17:37,744,815-37,744,816); deleting either gives the same sequence. VCF-style (leftmost placement, unchanged base first): chr17-37744814-TC-T. GRCh37 (hg19) VCF-style: chr17-36104805-TC-T.
Other names: c.70del, p.Glu24fs (NM_001165923.4, NM_001304286.2); short protein forms E24fs.
Identifiers: ClinVar variation 635732 (VCV000635732.1), dbSNP rs2511853093, ClinGen allele CA913190808.
Genomic context (GRCh38, chr17:37,744,814, plus strand): 5'-TCCAGCTTCACCCCGAAGTTCGGGGATGGCAGCAACTCCTCCAAGGCCTGAACCAGCACC[TC>T]CTTGGTGACCCCGGAGCTCAGCAGGGCGCTCAGGAGTTCTTGCTGGAGCGACGTGAGCTT-3'

ClinVar aggregate classification (germline): Pathogenic (1 of 4 stars; one submission).

Conditions:
Renal cysts and diabetes syndrome (RCAD). Also called: Familial hypoplastic, glomerulocystic kidney; MATURITY-ONSET DIABETES OF THE YOUNG, TYPE 5. Identifiers: Orphanet 93111, MedGen C0431693, MONDO:0007669, OMIM 137920.

Submission:

Institute of Human Genetics, FAU Erlangen, Friedrich-Alexander-Universität Erlangen-Nürnberg
Classification: Pathogenic for Renal cysts and diabetes syndrome. Last evaluated: 2019-07-06. Review status: criteria provided, single submitter. Criteria: ACMG Guidelines, 2015. Collection method: literature only. Allele origin: germline. Affected: yes.
Comment: This variant and it's classification has been reported by Vasileiou et al. 2019; DOI:10.1101/576918. The variants has previously been reported in PMID:28420700 as "c.70del,p.Glu24fs" with clinical significance Pathogenic. It has been re-classified using InterVar and manual curation as Pathogenic based on PVS1 PM2 PP3.

Literature cited by the submitters: PubMed 28420700; DOI 10.1101/576918.